The following is an entry in ClinVar:

ClinVar aggregate classification (germline): Pathogenic (1 of 4 stars; one submission).

Conditions:
Familial adenomatous polyposis 1 (FAP1). Also called: FAMILIAL ADENOMATOUS POLYPOSIS 1, ATTENUATED; POLYPOSIS, ADENOMATOUS INTESTINAL. Identifiers: MedGen C2713442, MONDO:0021056, OMIM 175100. Disease mechanism: loss of function.

Submission:

Myriad Genetics, Inc.
Classification: Pathogenic for Familial adenomatous polyposis 1. Last evaluated: 2025-06-03. Review status: criteria provided, single submitter. Criteria: Myriad Autosomal Dominant, Autosomal Recessive and X-Linked Classification Criteria (2023). Collection method: clinical testing. Allele origin: unknown.
Comment: This variant is considered pathogenic. This variant creates a frameshift predicted to result in premature protein truncation.

NM_000038.6(APC):c.1121_1143del (p.Arg374fs)

Gene: APC (APC regulator of Wnt signaling pathway; plus strand). Cytogenetic location: 5q22.2.
Variant type: Deletion.
Coding change: c.1121_1143del on transcript NM_000038.6 (MANE Select); coding-DNA positions 1121 to 1143, 23 bases deleted (GGGGCAGTAAAGAGGCTCGGGCC).
Protein change: p.Arg374fs; shifts the reading frame from arginine 374.
Molecular consequence: frameshift variant. On other transcripts: non-coding transcript variant (2), intron variant (15).
Genome position (GRCh38, 1-based): chr5:112,819,153-112,819,175, GGGGCAGTAAAGAGGCTCGGGCC deleted; deleting any 23 consecutive bases within chr5:112,819,151-112,819,175 gives the same sequence; the c. name uses the placement nearest the transcript's 3' end. VCF-style (leftmost placement, unchanged base first): chr5-112819150-CCCGGGGCAGTAAAGAGGCTCGGG-C. GRCh37 (hg19) VCF-style: chr5-112154847-CCCGGGGCAGTAAAGAGGCTCGGG-C.
Other names: c.1121_1143del, p.Arg374fs (NM_001127510.3, NM_001354895.2, NM_001354896.2 and 4 more transcripts); c.1067_1089del, p.Arg356fs (NM_001127511.3); c.1151_1173del, p.Arg384fs (NM_001354897.2, NM_001407446.1); c.1046_1068del, p.Arg349fs (NM_001354898.2, NM_001407451.1); c.1037_1059del, p.Arg346fs (NM_001354899.2, NM_001407452.1); c.944_966del, p.Arg315fs (NM_001354900.2, NM_001354901.2, NM_001407453.1); c.272_294del, p.Arg91fs (NM_001354906.2, NM_001407470.1); c.85-116_85-94del (NM_001407472.1, NM_001407471.1); and 5 more; short protein forms R315fs, R346fs, R349fs, R356fs, R374fs, R384fs, R91fs.
Identifiers: ClinVar variation 4071405 (VCV004071405.1).